The following is an entry in ClinVar:

ClinVar aggregate classification (germline): Uncertain significance. Review status: criteria provided, multiple submitters, no conflicts (2 of 4 stars). 2 submissions from 2 submitters: Uncertain significance (2). Last evaluated 2025-03-03.

Conditions:
PIEZO1-related disorder. Also called: PIEZO1-related condition; PIEZO1-Related Disorders.

Allele frequency attached by ClinVar (database versions not stated): ExAC 0.00054; gnomAD 0.00006.
gnomAD v4.1: 190 of 1,549,932 alleles (0.012%); highest among the groups gnomAD compares: South Asian, 0.071%; no homozygotes.

Submissions (2):

Mayo Clinic Laboratories, Mayo Clinic
Classification: Uncertain significance. Last evaluated: 2025-03-03. Review status: criteria provided, single submitter. Criteria: ACMG Guidelines, 2015. Collection method: clinical testing. Allele origin: germline. Observed: 1 variant allele.
Comment: BP4_moderate, PM2_supporting

PreventionGenetics, part of Exact Sciences
Classification: Uncertain significance for PIEZO1-related condition. Last evaluated: 2022-12-10. Review status: criteria provided, single submitter. Criteria: ACMG Guidelines, 2015. Collection method: clinical testing. Allele origin: germline.
Comment: The PIEZO1 c.5282G>A variant is predicted to result in the amino acid substitution p.Arg1761Gln. To our knowledge, this variant has not been reported in the literature. This variant is reported in 0.083% of alleles in individuals of South Asian descent in gnomAD. Although we suspect that this variant may be benign, at this time, the clinical significance of this variant is uncertain due to the absence of conclusive functional and genetic evidence.

NM_001142864.4(PIEZO1):c.5282G>A (p.Arg1761Gln)

Gene: PIEZO1 (piezo type mechanosensitive ion channel component 1 (Er blood group); minus strand). Cytogenetic location: 16q24.3.
Variant type: single nucleotide variant.
Coding change: c.5282G>A on transcript NM_001142864.4 (MANE Select); coding-DNA position 5282, G replaced by A.
Protein change: p.Arg1761Gln; replaces arginine 1761 with glutamine.
Molecular consequence: missense variant.
Genome position (GRCh38, 1-based): chr16:88,721,659, C>T on the plus strand (G>A on the coding strand, the complement: PIEZO1 is on the minus strand). VCF-style: chr16-88721659-C-T. GRCh37 (hg19) VCF-style: chr16-88788067-C-T.
Other names: p.Arg1761Gln; c.3824G>A, p.Arg1275Gln (NM_014745.1); short protein forms R1275Q, R1761Q.
Identifiers: ClinVar variation 2636045 (VCV002636045.2), dbSNP rs755976907, ClinGen allele CA8231919.
Genomic context (GRCh38, chr16:88,721,659, plus strand): 5'-CCGTCAGTCTTCTCCAGGCCCAGGATGCGGGGCGGGAAGTAGGGCTTGTTCTCGTAGCGC[C>T]GCAGCACCACGTGGCTGTTCCAGGGGAAGAACCCAAACTGGAACAGGTACTTGACGACCA-3'
Protein context (NP_001136336.2, residues 1751-1771): FFPWNSHVVL[Arg1761Gln]RYENKPYFPP